The following is an entry in ClinVar:

ClinVar aggregate classification (germline): Uncertain significance (1 of 4 stars; one submission).

gnomAD v4.1: 3 of 1,613,256 alleles (0.00019%); highest among the groups gnomAD compares: East Asian, 0.0022%; no homozygotes.

Submission:

Women's Health and Genetics/Laboratory Corporation of America, LabCorp
Classification: Uncertain significance. Last evaluated: 2025-12-17. Review status: criteria provided, single submitter. Criteria: LabCorp Variant Classification Summary - May 2015. Collection method: clinical testing. Allele origin: germline.
Comment: Variant summary: PNPT1 c.1391G>A (p.Arg464Gln) results in a conservative amino acid change in the encoded protein sequence. Algorithms developed to predict the effect of missense changes on protein structure and function all suggest that this variant is likely to be tolerated. The variant allele was found at a frequency of 4e-06 in 250998 control chromosomes. The available data on variant occurrences in the general population are insufficient to allow any conclusion about variant significance. To our knowledge, no occurrence of c.1391G>A in individuals affected with PNPT1-related conditions and no experimental evidence demonstrating its impact on protein function have been reported. No submitters have cited clinical-significance assessments for this variant to ClinVar. Based on the evidence outlined above, the variant was classified as uncertain significance.

NM_033109.5(PNPT1):c.1391G>A (p.Arg464Gln)

Gene: PNPT1 (polyribonucleotide nucleotidyltransferase 1; minus strand). Cytogenetic location: 2p16.1.
Variant type: single nucleotide variant.
Coding change: c.1391G>A on transcript NM_033109.5 (MANE Select); coding-DNA position 1391, G replaced by A.
Protein change: p.Arg464Gln; replaces arginine 464 with glutamine.
Molecular consequence: missense variant.
Genome position (GRCh38, 1-based): chr2:55,656,181, C>T on the plus strand (G>A on the coding strand, the complement: PNPT1 is on the minus strand). VCF-style: chr2-55656181-C-T. GRCh37 (hg19) VCF-style: chr2-55883316-C-T.
Other names: short protein forms R464Q.
Identifiers: ClinVar variation 4688235 (VCV004688235.1).